The following is an entry in ClinVar:

ClinVar aggregate classification (germline): Uncertain significance (1 of 4 stars; one submission).

Conditions:
Hereditary cancer-predisposing syndrome. Also called: Neoplastic Syndromes, Hereditary; Tumor predisposition; Hereditary neoplastic syndrome; Hereditary Cancer Syndrome. Identifiers: Orphanet 140162, MedGen C0027672, MeSH D009386, MONDO:0015356.

Submission:

Ambry Genetics
Classification: Uncertain significance for Hereditary cancer-predisposing syndrome. Last evaluated: 2022-12-07. Review status: criteria provided, single submitter. Criteria: Ambry Variant Classification Scheme 2023. Collection method: clinical testing. Allele origin: germline.
Comment: The p.N54T variant (also known as c.161A>C), located in coding exon 1 of the MET gene, results from an A to C substitution at nucleotide position 161. The asparagine at codon 54 is replaced by threonine, an amino acid with similar properties. This amino acid position is conserved. In addition, this alteration is predicted to be tolerated by in silico analysis. Since supporting evidence is limited at this time, the clinical significance of this alteration remains unclear.

NM_000245.4(MET):c.161A>C (p.Asn54Thr)

Gene: MET (MET proto-oncogene, receptor tyrosine kinase; plus strand). Cytogenetic location: 7q31.2.
Variant type: single nucleotide variant.
Coding change: c.161A>C on transcript NM_000245.4 (MANE Select); coding-DNA position 161, A replaced by C.
Protein change: p.Asn54Thr; replaces asparagine 54 with threonine.
Molecular consequence: missense variant. On other transcripts: intron variant (1).
Genome position (GRCh38, 1-based): chr7:116,699,245, A>C. VCF-style: chr7-116699245-A-C. GRCh37 (hg19) VCF-style: chr7-116339299-A-C.
Other names: c.161A>C, p.Asn54Thr (NM_001127500.3, NM_001324401.3); c.-91+26668A>C (NM_001324402.2); short protein forms N54T.
Identifiers: ClinVar variation 2453385 (VCV002453385.2), dbSNP rs2116581845, ClinGen allele CA368968472.